The following is an entry in ClinVar:

NM_018082.6(POLR3B):c.2293+1G>A

Gene: POLR3B (RNA polymerase III subunit B; plus strand). Cytogenetic location: 12q23.3.
Variant type: single nucleotide variant.
Coding change: c.2293+1G>A on transcript NM_018082.6 (MANE Select); the canonical splice donor site of the intron after coding-DNA position 2293, G replaced by A.
Molecular consequence: splice donor variant.
Genome position (GRCh38, 1-based): chr12:106,454,712, G>A. VCF-style: chr12-106454712-G-A. GRCh37 (hg19) VCF-style: chr12-106848490-G-A.
Other names: c.2119+1G>A (NM_001160708.2).
Identifiers: ClinVar variation 2189949 (VCV002189949.5), dbSNP rs965079938, ClinGen allele CA243208186.

ClinVar aggregate classification (germline): Likely pathogenic. Review status: criteria provided, multiple submitters, no conflicts (2 of 4 stars). 2 submissions from 2 submitters: Likely pathogenic (2). Last evaluated 2024-04-04.

Conditions:
Leukodystrophy, hypomyelinating, 8, with or without oligodontia and/or hypogonadotropic hypogonadism. Also called: Endosteal sclerosis-cerebellar hypoplasia syndrome; Hypomyelinating leukodystrophy 8 with or without oligodontia and-or hypogonadotropic hypogonadism; LEUKODYSTROPHY, HYPOMYELINATING, 8, WITH HYPODONTIA AND HYPOGONADOTROPIC HYPOGONADISM. Identifiers: Orphanet 85186, Orphanet 88637, MedGen C3280644, MONDO:0013722, OMIM 614381.

Allele frequency attached by ClinVar (database versions not stated): gnomAD 0.00003; gnomAD exomes 0.00003; TOPMed 0.00003.
gnomAD v4.1: 45 of 1,574,520 alleles (0.0029%); highest among the groups gnomAD compares: Non-Finnish European, 0.0038%; no homozygotes.

Submissions (2):

Genomic Medicine Center of Excellence, King Faisal Specialist Hospital and Research Centre
Classification: Likely pathogenic for Leukodystrophy, hypomyelinating, 8, with or without oligodontia and/or hypogonadotropic hypogonadism. Last evaluated: 2024-04-04. Review status: criteria provided, single submitter. Criteria: ACMG Guidelines, 2015. Collection method: clinical testing. Allele origin: germline.

Labcorp Genetics (formerly Invitae), Labcorp
Classification: Likely pathogenic. Last evaluated: 2022-02-28. Review status: criteria provided, single submitter. Criteria: Invitae Variant Classification Sherloc (09022015). Collection method: clinical testing. Allele origin: germline.
Comment: This sequence change affects a donor splice site in intron 20 of the POLR3B gene. It is expected to disrupt RNA splicing. Variants that disrupt the donor or acceptor splice site typically lead to a loss of protein function (PMID: 16199547), and loss-of-function variants in POLR3B are known to be pathogenic (PMID: 25339210). This variant is present in population databases (no rsID available, gnomAD 0.007%). This variant has not been reported in the literature in individuals affected with POLR3B-related conditions. Algorithms developed to predict the effect of sequence changes on RNA splicing suggest that this variant may disrupt the consensus splice site. In summary, the currently available evidence indicates that the variant is pathogenic, but additional data are needed to prove that conclusively. Therefore, this variant has been classified as Likely Pathogenic.

Literature cited by the submitters: PubMed 16199547 (cited by Labcorp Genetics (formerly Invitae), Labcorp); PubMed 25339210 (cited by Labcorp Genetics (formerly Invitae), Labcorp).